The following is an entry in ClinVar:

ClinVar aggregate classification (germline): Uncertain significance (1 of 4 stars; one submission).

Submission:

Labcorp Genetics (formerly Invitae), Labcorp
Classification: Uncertain significance. Last evaluated: 2025-03-17. Review status: criteria provided, single submitter. Criteria: Invitae Variant Classification Sherloc (09022015). Collection method: clinical testing. Allele origin: germline.
Comment: This sequence change replaces glutamine, which is neutral and polar, with proline, which is neutral and non-polar, at codon 91 of the TUBA1A protein (p.Gln91Pro). This variant is not present in population databases (gnomAD no frequency). This variant has not been reported in the literature in individuals affected with TUBA1A-related conditions. Invitae Evidence Modeling of protein sequence and biophysical properties (such as structural, functional, and spatial information, amino acid conservation, physicochemical variation, residue mobility, and thermodynamic stability) indicates that this missense variant is expected to disrupt TUBA1A protein function with a positive predictive value of 80%. In summary, the available evidence is currently insufficient to determine the role of this variant in disease. Therefore, it has been classified as a Variant of Uncertain Significance.

NM_006009.4(TUBA1A):c.272A>C (p.Gln91Pro)

Gene: TUBA1A (tubulin alpha 1a; minus strand). Cytogenetic location: 12q13.12.
Variant type: single nucleotide variant.
Coding change: c.272A>C on transcript NM_006009.4 (MANE Select); coding-DNA position 272, A replaced by C.
Protein change: p.Gln91Pro; replaces glutamine 91 with proline.
Molecular consequence: missense variant.
Genome position (GRCh38, 1-based): chr12:49,186,413, T>G on the plus strand (A>C on the coding strand, the complement: TUBA1A is on the minus strand). VCF-style: chr12-49186413-T-G. GRCh37 (hg19) VCF-style: chr12-49580196-T-G.
Other names: c.272A>C, p.Gln91Pro (NM_001270399.2); c.167A>C, p.Gln56Pro (NM_001270400.2); short protein forms Q56P, Q91P.
Identifiers: ClinVar variation 3658859 (VCV003658859.2).